The following is an entry in ClinVar:

NM_144670.6(A2ML1):c.1207T>G (p.Leu403Val)

Gene: A2ML1 (alpha-2-macroglobulin like 1; plus strand). Cytogenetic location: 12p13.31.
Variant type: single nucleotide variant.
Coding change: c.1207T>G on transcript NM_144670.6 (MANE Select); coding-DNA position 1207, T replaced by G.
Protein change: p.Leu403Val; replaces leucine 403 with valine.
Molecular consequence: missense variant.
Genome position (GRCh38, 1-based): chr12:8,841,495, T>G. VCF-style: chr12-8841495-T-G. GRCh37 (hg19) VCF-style: chr12-8994091-T-G.
Other names: short protein forms L403V.
Identifiers: ClinVar variation 3631494 (VCV003631494.2).

ClinVar aggregate classification (germline): Uncertain significance (1 of 4 stars; one submission).

gnomAD v4.1: 1 of 1,614,122 alleles (0.000062%); highest among the groups gnomAD compares: Non-Finnish European, 0.000085%; no homozygotes.

Submission:

Labcorp Genetics (formerly Invitae), Labcorp
Classification: Uncertain significance. Last evaluated: 2024-07-22. Review status: criteria provided, single submitter. Criteria: Invitae Variant Classification Sherloc (09022015). Collection method: clinical testing. Allele origin: germline.
Comment: This sequence change replaces leucine, which is neutral and non-polar, with valine, which is neutral and non-polar, at codon 403 of the A2ML1 protein (p.Leu403Val). This variant is not present in population databases (gnomAD no frequency). This variant has not been reported in the literature in individuals affected with A2ML1-related conditions. An algorithm developed to predict the effect of missense changes on protein structure and function outputs the following: PolyPhen-2: "Benign". The valine amino acid residue is found in multiple mammalian species, which suggests that this missense change does not adversely affect protein function. In summary, the available evidence is currently insufficient to determine the role of this variant in disease. Therefore, it has been classified as a Variant of Uncertain Significance.